The following is an entry in ClinVar:

ClinVar aggregate classification (germline): Uncertain significance (1 of 4 stars; one submission).

Conditions:
Autosomal recessive severe congenital neutropenia due to CSF3R deficiency. Also called: Neutropenia, severe congenital, 7, autosomal recessive. Identifiers: Orphanet 420702, MedGen C4310764, MONDO:0014865, OMIM 617014.

Submission:

Labcorp Genetics (formerly Invitae), Labcorp
Classification: Uncertain significance for Autosomal recessive severe congenital neutropenia due to CSF3R deficiency. Last evaluated: 2024-08-14. Review status: criteria provided, single submitter. Criteria: Invitae Variant Classification Sherloc (09022015). Collection method: clinical testing. Allele origin: germline.
Comment: This sequence change replaces arginine, which is basic and polar, with lysine, which is basic and polar, at codon 654 of the CSF3R protein (p.Arg654Lys). This variant is not present in population databases (gnomAD no frequency). This variant has not been reported in the literature in individuals affected with CSF3R-related conditions. An algorithm developed to predict the effect of missense changes on protein structure and function (PolyPhen-2) suggests that this variant is likely to be tolerated. In summary, the available evidence is currently insufficient to determine the role of this variant in disease. Therefore, it has been classified as a Variant of Uncertain Significance.

NM_000760.4(CSF3R):c.1961G>A (p.Arg654Lys)

Gene: CSF3R (colony stimulating factor 3 receptor; minus strand). Cytogenetic location: 1p34.3.
Variant type: single nucleotide variant.
Coding change: c.1961G>A on transcript NM_000760.4 (MANE Select); coding-DNA position 1961, G replaced by A.
Protein change: p.Arg654Lys; replaces arginine 654 with lysine.
Molecular consequence: missense variant.
Genome position (GRCh38, 1-based): chr1:36,467,309, C>T on the plus strand (G>A on the coding strand, the complement: CSF3R is on the minus strand). VCF-style: chr1-36467309-C-T. GRCh37 (hg19) VCF-style: chr1-36932910-C-T.
Other names: c.1961G>A, p.Arg654Lys (NM_156039.3, NM_172313.3); short protein forms R654K.
Identifiers: ClinVar variation 3662415 (VCV003662415.2).